The following is an entry in ClinVar:

NM_018418.5(SPATA7):c.1408G>C (p.Ala470Pro)

Gene: SPATA7 (spermatogenesis associated 7; plus strand). Cytogenetic location: 14q31.3.
Variant type: single nucleotide variant.
Coding change: c.1408G>C on transcript NM_018418.5 (MANE Select); coding-DNA position 1408, G replaced by C.
Protein change: p.Ala470Pro; replaces alanine 470 with proline.
Molecular consequence: missense variant.
Genome position (GRCh38, 1-based): chr14:88,438,030, G>C. VCF-style: chr14-88438030-G-C. GRCh37 (hg19) VCF-style: chr14-88904374-G-C.
Other names: c.1312G>C, p.Ala438Pro (NM_001040428.4); short protein forms A438P, A470P.
Identifiers: ClinVar variation 1406188 (VCV001406188.8), dbSNP rs375711118, ClinGen allele CA7298806.
Genomic context (GRCh38, chr14:88,438,030, plus strand): 5'-AATGAATTAAAAAATGAAAGTGAAGTAACAATTCAGCAGGAACGTCAACAATACCAAAAG[G>C]CTTTGGATATGTTATTGTCGGCACCAAAGGATGAGAACGAGATATTCCCTTCACCAACTG-3'
Protein context (NP_060888.2, residues 460-480): IQQERQQYQK[Ala470Pro]LDMLLSAPKD

ClinVar aggregate classification (germline): Uncertain significance (1 of 4 stars; one submission).

Conditions:
Leber congenital amaurosis 3 (LCA3). Also called: SPATA7-Related Retinitis Pigmentosa. Identifiers: MedGen C1858677, MONDO:0011415, OMIM 604232.

Allele frequency attached by ClinVar (database versions not stated): TOPMed below 0.00001; gnomAD exomes 0.00001 and 0.00002; ESP Exome Variant Server 0.00008.
gnomAD v4.1: 10 of 1,613,908 alleles (0.00062%); highest among the groups gnomAD compares: Admixed American, 0.0033%; no homozygotes.

Submission:

Labcorp Genetics (formerly Invitae), Labcorp
Classification: Uncertain significance for Leber congenital amaurosis 3. Last evaluated: 2022-05-07. Review status: criteria provided, single submitter. Criteria: Invitae Variant Classification Sherloc (09022015). Collection method: clinical testing. Allele origin: germline.
Comment: This variant is present in population databases (rs375711118, gnomAD 0.006%). This sequence change replaces alanine, which is neutral and non-polar, with proline, which is neutral and non-polar, at codon 470 of the SPATA7 protein (p.Ala470Pro). This variant has not been reported in the literature in individuals affected with SPATA7-related conditions. In summary, the available evidence is currently insufficient to determine the role of this variant in disease. Therefore, it has been classified as a Variant of Uncertain Significance. Algorithms developed to predict the effect of missense changes on protein structure and function are either unavailable or do not agree on the potential impact of this missense change (SIFT: "Deleterious"; PolyPhen-2: "Probably Damaging"; Align-GVGD: "Class C0").